The following is an entry in ClinVar:

ClinVar aggregate classification (germline): Uncertain significance (1 of 4 stars; one submission).

Conditions:
Progressive sclerosing poliodystrophy (MTDPS4A). Also called: Mitochondrial DNA depletion syndrome 4A (Alpers type); ALPERS PROGRESSIVE INFANTILE POLIODYSTROPHY; NEURONAL DEGENERATION OF CHILDHOOD WITH LIVER DISEASE, PROGRESSIVE; Alpers Syndrome; ALPERS DIFFUSE DEGENERATION OF CEREBRAL GRAY MATTER WITH HEPATIC CIRRHOSIS; Alpers-Huttenlocher Syndrome. Identifiers: Orphanet 726, MedGen C0205710, MONDO:0008758, OMIM 203700.

Submission:

Labcorp Genetics (formerly Invitae), Labcorp
Classification: Uncertain significance for Progressive sclerosing poliodystrophy. Last evaluated: 2025-12-13. Review status: criteria provided, single submitter. Criteria: Invitae Variant Classification Sherloc (09022015). Collection method: clinical testing. Allele origin: germline.
Comment: This sequence change replaces serine, which is neutral and polar, with proline, which is neutral and non-polar, at codon 810 of the POLG protein (p.Ser810Pro). This variant is not present in population databases (gnomAD no frequency). This variant has not been reported in the literature in individuals affected with POLG-related conditions. An algorithm developed to predict the effect of missense changes on protein structure and function (PolyPhen-2) suggests that this variant is likely to be disruptive. In summary, the available evidence is currently insufficient to determine the role of this variant in disease. Therefore, it has been classified as a Variant of Uncertain Significance.

NM_002693.3(POLG):c.2428T>C (p.Ser810Pro)

Gene: POLG (DNA polymerase gamma, catalytic subunit; minus strand). Cytogenetic location: 15q26.1.
Variant type: single nucleotide variant.
Coding change: c.2428T>C on transcript NM_002693.3 (MANE Select); coding-DNA position 2428, T replaced by C.
Protein change: p.Ser810Pro; replaces serine 810 with proline.
Molecular consequence: missense variant.
Genome position (GRCh38, 1-based): chr15:89,322,014, A>G on the plus strand (T>C on the coding strand, the complement: POLG is on the minus strand). VCF-style: chr15-89322014-A-G. GRCh37 (hg19) VCF-style: chr15-89865245-A-G.
Other names: c.2428T>C, p.Ser810Pro (NM_001126131.2); short protein forms S810P.
Identifiers: ClinVar variation 4733132 (VCV004733132.1).